The following is an entry in ClinVar:

ClinVar aggregate classification (germline): Uncertain significance (1 of 4 stars; one submission).

Conditions:
PIAS4-related disorder. Also called: PIAS4-related condition.

Allele frequency attached by ClinVar (database versions not stated): TOPMed below 0.00001; gnomAD exomes 0.00001.
gnomAD v4.1: 4 of 1,613,660 alleles (0.00025%); highest among the groups gnomAD compares: East Asian, 0.0045%; no homozygotes.

Submission:

PreventionGenetics, part of Exact Sciences
Classification: Uncertain significance for PIAS4-related condition. Last evaluated: 2023-09-05. Review status: criteria provided, single submitter. Criteria: ACMG Guidelines, 2015. Collection method: clinical testing. Allele origin: germline.
Comment: The PIAS4 c.776C>T variant is predicted to result in the amino acid substitution p.Thr259Ile. To our knowledge, this variant has not been reported in the literature or in a large population database, indicating this variant is rare. At this time, the clinical significance of this variant is uncertain due to the absence of conclusive functional and genetic evidence.

NM_015897.4(PIAS4):c.776C>T (p.Thr259Ile)

Gene: PIAS4 (protein inhibitor of activated STAT 4; plus strand). Cytogenetic location: 19p13.3.
Variant type: single nucleotide variant.
Coding change: c.776C>T on transcript NM_015897.4 (MANE Select); coding-DNA position 776, C replaced by T.
Protein change: p.Thr259Ile; replaces threonine 259 with isoleucine.
Molecular consequence: missense variant.
Genome position (GRCh38, 1-based): chr19:4,028,823, C>T. VCF-style: chr19-4028823-C-T. GRCh37 (hg19) VCF-style: chr19-4028821-C-T.
Other names: short protein forms T259I.
Identifiers: ClinVar variation 2631167 (VCV002631167.1), dbSNP rs1040676979, ClinGen allele CA304441417.